The following is an entry in ClinVar:

NM_001148.6(ANK2):c.2807T>C (p.Leu936Pro)

Gene: ANK2 (ankyrin 2; plus strand). Cytogenetic location: 4q26.
Variant type: single nucleotide variant.
Coding change: c.2807T>C on transcript NM_001148.6 (MANE Select); coding-DNA position 2807, T replaced by C.
Protein change: p.Leu936Pro; replaces leucine 936 with proline.
Molecular consequence: missense variant.
Genome position (GRCh38, 1-based): chr4:113,318,527, T>C. VCF-style: chr4-113318527-T-C. GRCh37 (hg19) VCF-style: chr4-114239683-T-C.
Other names: p.L936P:CTA>CCA; c.2744T>C, p.Leu915Pro (NM_001127493.3, NM_001354243.2, NM_001354255.2 and 3 more transcripts); c.2819T>C, p.Leu940Pro (NM_001354225.2); c.2807T>C, p.Leu936Pro (NM_001354228.2, NM_001354232.2, NM_001354258.2 and 1 more transcripts); c.2849T>C, p.Leu950Pro (NM_001354230.2, NM_001354231.2, NM_001354237.2 and 1 more transcripts); c.2804T>C, p.Leu935Pro (NM_001354235.2, NM_001354236.2, NM_001354246.2 and 1 more transcripts); c.2741T>C, p.Leu914Pro (NM_001354239.2, NM_001354244.2, NM_001354252.2 and 3 more transcripts); c.2852T>C, p.Leu951Pro (NM_001354240.2, NM_001354241.2, NM_001386144.1); and 18 more; short protein forms L915P, L936P, L145P, L865P, L902P, L922P, L869P, L874P.
Identifiers: ClinVar variation 190597 (VCV000190597.4), dbSNP rs786205733, ClinGen allele CA301031.

ClinVar aggregate classification (germline): Uncertain significance. Review status: criteria provided, multiple submitters, no conflicts (2 of 4 stars). 2 submissions from 2 submitters: Uncertain significance (2). Last evaluated 2021-11-24.

Conditions:
Cardiovascular phenotype. Identifiers: MedGen CN230736.

Allele frequency attached by ClinVar (database versions not stated): TOPMed 0.00003; gnomAD exomes below 0.00001; gnomAD 0.00001.
gnomAD v4.1: 4 of 1,613,470 alleles (0.00025%); highest among the groups gnomAD compares: African/African-American, 0.004%; no homozygotes.

Submissions (2):

Ambry Genetics
Classification: Uncertain significance for Cardiovascular phenotype. Last evaluated: 2021-11-24. Review status: criteria provided, single submitter. Criteria: Ambry Variant Classification Scheme 2023. Collection method: clinical testing. Allele origin: germline.
Comment: The p.L936P variant (also known as c.2807T>C), located in coding exon 26 of the ANK2 gene, results from a T to C substitution at nucleotide position 2807. The leucine at codon 936 is replaced by proline, an amino acid with similar properties. This amino acid position is highly conserved in available vertebrate species. In addition, this alteration is predicted to be deleterious by in silico analysis. Since supporting evidence is limited at this time, the clinical significance of this alteration remains unclear.

GeneDx
Classification: Uncertain significance. Last evaluated: 2014-12-08. Review status: criteria provided, single submitter. Criteria: GeneDx Variant Classification (06012015). Collection method: clinical testing. Allele origin: germline. Affected: yes.
Comment: p.Leu936Pro (CTA>CCA): c.2807 T>C in exon 26 of the ANK2 gene (NM_001148.4). The L936P variant has not been published as a mutation, nor has it been reported as a benign polymorphism to our knowledge. The L936P variant was not observed in approximately 6,500 individuals of European and African American ancestry in the NHLBI Exome Sequencing Project, indicating it is not a common benign variant in these populations. The L936P variant is a semi-conservative amino acid substitution, which may impact secondary protein structure as these residues differ in some properties. This substitution occurs at a position that is conserved across species. In silico analysis predicts this variant is probably damaging to the protein structure/function. However, missense mutations in nearby residues have not been reported, indicating this region of the protein may tolerate change. Therefore, based on the currently available information, it is unclear whether this variant is a pathogenic mutation or a rare benign variant. The variant is found in ARRHYTHMIA panel(s).